The following is an entry in ClinVar:

ClinVar aggregate classification (germline): Likely pathogenic (1 of 4 stars; one submission).

Conditions:
Wilson disease (WND). Also called: Wilson's disease. Identifiers: Orphanet 905, MedGen C0019202, MONDO:0010200, OMIM 277900. Disease mechanism: loss of function.

Submission:

All of Us Research Program, National Institutes of Health
Classification: Likely pathogenic for Wilson disease. Last evaluated: 2023-05-15. Review status: criteria provided, single submitter. Criteria: ACMG Guidelines, 2015. Collection method: clinical testing. Allele origin: germline. Inheritance: Autosomal recessive inheritance. Observed: 1 variant allele, 1 heterozygote.
Comment: This variant is predicted to result in loss of protein function through nonsense-mediated or protein truncation. Loss of function is an established mechanism of disease. This variant is absent from large population databases, including the Genome Aggregation Database. To our knowledge, this variant has not been reported in association with human disease.

This study involves interpretation of variants in research participants for the purpose of population health screening. Participant phenotype was not available at the time of variant classification. Additional details can be found in publication PMID: 35346344, PMCID: PMC8962531

NM_000053.4(ATP7B):c.2279_2280del (p.Pro760fs)

Gene: ATP7B (ATPase copper transporting beta; minus strand). Cytogenetic location: 13q14.3.
Variant type: Deletion.
Coding change: c.2279_2280del on transcript NM_000053.4 (MANE Select); coding-DNA positions 2279 to 2280, 2 bases deleted (CT; older notation c.2279_2280delCT).
Protein change: p.Pro760fs; shifts the reading frame from proline 760.
Molecular consequence: frameshift variant. On other transcripts: intron variant (14).
Genome position (GRCh38, 1-based): chr13:51,958,386-51,958,387, AG deleted on the plus strand (CT on the coding strand, the reverse complement: ATP7B is on the minus strand). VCF-style (leftmost placement, unchanged base first): chr13-51958385-CAG-C. GRCh37 (hg19) VCF-style: chr13-52532521-CAG-C.
Other names: c.2279_2280del, p.Pro760fs (NM_001406513.1, NM_001406515.1, NM_001406516.1 and 7 more transcripts); c.2246_2247del, p.Pro749fs (NM_001406514.1); c.2183_2184del, p.Pro728fs (NM_001406517.1, NM_001406518.1); c.2135_2136del, p.Pro712fs (NM_001406520.1, NM_001406521.1, NM_001406522.1 and 1 more transcripts); c.1946_1947del, p.Pro649fs (NM_001243182.2); c.2027_2028del, p.Pro676fs (NM_001330579.2, NM_001406531.1, NM_001406532.1 and 1 more transcripts); c.2102_2103del, p.Pro701fs (NM_001406524.1); c.2039_2040del, p.Pro680fs (NM_001406530.1); and 8 more; short protein forms P617fs, P644fs, P649fs, P676fs, P680fs, P701fs, P712fs, P728fs.
Identifiers: ClinVar variation 3071276 (VCV003071276.1), dbSNP rs2547715234, ClinGen allele CA2825002200.